The following is an entry in ClinVar:

ClinVar aggregate classification (germline): Conflicting classifications of pathogenicity. Review status: criteria provided, conflicting classifications (1 of 4 stars). 2 submissions from 2 submitters: Uncertain significance (1); Likely benign (1). Last evaluated 2025-10-15.

Conditions:
Hereditary cancer-predisposing syndrome. Also called: Hereditary Cancer Syndrome; Hereditary neoplastic syndrome; Neoplastic Syndromes, Hereditary; Tumor predisposition. Identifiers: Orphanet 140162, MedGen C0027672, MeSH D009386, MONDO:0015356.
Fanconi anemia (FA). Also called: Fanconi's anemia. Identifiers: Orphanet 84, MedGen C0015625, MeSH D005199, MONDO:0019391.

Allele frequency attached by ClinVar (database versions not stated): gnomAD exomes below 0.00001; ExAC 0.00001.

Submissions (2):

Ambry Genetics
Classification: Likely benign for Hereditary cancer-predisposing syndrome. Last evaluated: 2025-10-15. Review status: criteria provided, single submitter. Criteria: Ambry Variant Classification Scheme 2023. Collection method: clinical testing. Allele origin: germline.

Labcorp Genetics (formerly Invitae), Labcorp
Classification: Uncertain significance for Fanconi anemia. Last evaluated: 2022-08-09. Review status: criteria provided, single submitter. Criteria: Invitae Variant Classification Sherloc (09022015). Collection method: clinical testing. Allele origin: germline.
Comment: This sequence change replaces methionine, which is neutral and non-polar, with isoleucine, which is neutral and non-polar, at codon 406 of the FANCC protein (p.Met406Ile). This variant is present in population databases (rs766086120, gnomAD 0.0009%). This variant has not been reported in the literature in individuals affected with FANCC-related conditions. ClinVar contains an entry for this variant (Variation ID: 1431359). Algorithms developed to predict the effect of missense changes on protein structure and function output the following: SIFT: "Tolerated"; PolyPhen-2: "Benign"; Align-GVGD: "Class C0". The isoleucine amino acid residue is found in multiple mammalian species, which suggests that this missense change does not adversely affect protein function. In summary, the available evidence is currently insufficient to determine the role of this variant in disease. Therefore, it has been classified as a Variant of Uncertain Significance.

NM_000136.3(FANCC):c.1218G>C (p.Met406Ile)

Genes: FANCC (FA complementation group C; minus strand), AOPEP (aminopeptidase O (putative); plus strand). Cytogenetic location: 9q22.32.
Variant type: single nucleotide variant.
Coding change: c.1218G>C on transcript NM_000136.3 (MANE Select); coding-DNA position 1218, G replaced by C.
Protein change: p.Met406Ile; replaces methionine 406 with isoleucine.
Molecular consequence: missense variant.
Genome position (GRCh38, 1-based): chr9:95,111,574, C>G on the plus strand (G>C on the coding strand, the complement: FANCC is on the minus strand). VCF-style: chr9-95111574-C-G. GRCh37 (hg19) VCF-style: chr9-97873856-C-G.
Other names: c.1218G>C, p.Met406Ile (NM_001243743.2, NM_001243744.2); short protein forms M406I.
Identifiers: ClinVar variation 1431359 (VCV001431359.8), dbSNP rs766086120, ClinGen allele CA5137419.
Genomic context (GRCh38, chr9:95,111,574, plus strand): 5'-CAAGAGCCACAGCAGGGCCGTGGGGGGTTCGGCTGCCGACATCAGTAATTGCTCTGCCAC[C>G]ATCTCAGCCCATCCTCCGAAGTGAATGAACAGGAACCAGCTCTCAAAGGGACCTCCGCAG-3'
Protein context (NP_000127.2, residues 396-416): LFIHFGGWAE[Met406Ile]VAEQLLMSAA